The following is an entry in ClinVar:

ClinVar aggregate classification (germline): Uncertain significance (1 of 4 stars; one submission).

Conditions:
RYR1-related disorder. Also called: RYR1-related condition; RYR1-related disorders. Identifiers: MedGen CN239331.

Submission:

Labcorp Genetics (formerly Invitae), Labcorp
Classification: Uncertain significance for RYR1-related disorder. Last evaluated: 2023-12-30. Review status: criteria provided, single submitter. Criteria: Invitae Variant Classification Sherloc (09022015). Collection method: clinical testing. Allele origin: germline.
Comment: This sequence change replaces alanine, which is neutral and non-polar, with threonine, which is neutral and polar, at codon 1722 of the RYR1 protein (p.Ala1722Thr). This variant is not present in population databases (gnomAD no frequency). This variant has not been reported in the literature in individuals affected with RYR1-related conditions. Advanced modeling of protein sequence and biophysical properties (such as structural, functional, and spatial information, amino acid conservation, physicochemical variation, residue mobility, and thermodynamic stability) performed at Invitae indicates that this missense variant is not expected to disrupt RYR1 protein function with a negative predictive value of 95%. In summary, the available evidence is currently insufficient to determine the role of this variant in disease. Therefore, it has been classified as a Variant of Uncertain Significance.

NM_000540.3(RYR1):c.5164G>A (p.Ala1722Thr)

Gene: RYR1 (ryanodine receptor 1; plus strand). Cytogenetic location: 19q13.2.
Variant type: single nucleotide variant.
Coding change: c.5164G>A on transcript NM_000540.3 (MANE Select); coding-DNA position 5164, G replaced by A.
Protein change: p.Ala1722Thr; replaces alanine 1722 with threonine.
Molecular consequence: missense variant.
Genome position (GRCh38, 1-based): chr19:38,485,819, G>A. VCF-style: chr19-38485819-G-A. GRCh37 (hg19) VCF-style: chr19-38976459-G-A.
Other names: c.5164G>A, p.Ala1722Thr (NM_001042723.2); short protein forms A1722T.
Identifiers: ClinVar variation 2746148 (VCV002746148.3), dbSNP rs1600771482, ClinGen allele CA405654028.